The following is an entry in ClinVar:

ClinVar aggregate classification (germline): Uncertain significance (1 of 4 stars; one submission).

Conditions:
Hereditary cancer-predisposing syndrome. Also called: Tumor predisposition; Hereditary Cancer Syndrome; Hereditary neoplastic syndrome; Neoplastic Syndromes, Hereditary. Identifiers: Orphanet 140162, MedGen C0027672, MeSH D009386, MONDO:0015356.

Submission:

Ambry Genetics
Classification: Uncertain significance for Hereditary cancer-predisposing syndrome. Last evaluated: 2025-10-07. Review status: criteria provided, single submitter. Criteria: Ambry Variant Classification Scheme 2023. Collection method: clinical testing. Allele origin: germline.
Comment: The p.Q1395E variant (also known as c.4183C>G), located in coding exon 33 of the TSC2 gene, results from a C to G substitution at nucleotide position 4183. The glutamine at codon 1395 is replaced by glutamic acid, an amino acid with highly similar properties. This amino acid position is well conserved in available vertebrate species. In addition, the in silico prediction for this alteration is inconclusive. Based on the available evidence, the clinical significance of this variant remains unclear.

NM_000548.5(TSC2):c.4183C>G (p.Gln1395Glu)

Gene: TSC2 (TSC complex subunit 2; plus strand). Cytogenetic location: 16p13.3.
Variant type: single nucleotide variant.
Coding change: c.4183C>G on transcript NM_000548.5 (MANE Select); coding-DNA position 4183, C replaced by G.
Protein change: p.Gln1395Glu; replaces glutamine 1395 with glutamic acid.
Molecular consequence: missense variant. On other transcripts: non-coding transcript variant (5).
Genome position (GRCh38, 1-based): chr16:2,084,405, C>G. VCF-style: chr16-2084405-C-G. GRCh37 (hg19) VCF-style: chr16-2134406-C-G.
Other names: c.3982C>G, p.Gln1328Glu (NM_001077183.3); c.4114C>G, p.Gln1372Glu (NM_001114382.3); c.3874C>G, p.Gln1292Glu (NM_001318827.2); c.3838C>G, p.Gln1280Glu (NM_001318829.2); c.3451C>G, p.Gln1151Glu (NM_001318831.2); c.4015C>G, p.Gln1339Glu (NM_001318832.2); c.3985C>G, p.Gln1329Glu (NM_001363528.2); c.4051C>G, p.Gln1351Glu (NM_001370404.1); and 26 more; short protein forms Q1129E, Q1291E, Q1309E, Q1324E, Q1335E, Q1371E, Q904E, Q1151E.
Identifiers: ClinVar variation 4556695 (VCV004556695.1).